The following is an entry in ClinVar:

ClinVar aggregate classification (germline): Uncertain significance (1 of 4 stars; one submission).

Submission:

Labcorp Genetics (formerly Invitae), Labcorp
Classification: Uncertain significance. Last evaluated: 2024-01-25. Review status: criteria provided, single submitter. Criteria: Invitae Variant Classification Sherloc (09022015). Collection method: clinical testing. Allele origin: germline.
Comment: This sequence change replaces lysine, which is basic and polar, with methionine, which is neutral and non-polar, at codon 163 of the RIPK1 protein (p.Lys163Met). This variant is not present in population databases (gnomAD no frequency). This variant has not been reported in the literature in individuals affected with RIPK1-related conditions. An algorithm developed to predict the effect of missense changes on protein structure and function (PolyPhen-2) suggests that this variant is likely to be disruptive. In summary, the available evidence is currently insufficient to determine the role of this variant in disease. Therefore, it has been classified as a Variant of Uncertain Significance.

NM_001354930.2(RIPK1):c.488A>T (p.Lys163Met)

Gene: RIPK1 (receptor interacting serine/threonine kinase 1; plus strand). Cytogenetic location: 6p25.2.
Variant type: single nucleotide variant.
Coding change: c.488A>T on transcript NM_001354930.2 (MANE Select); coding-DNA position 488, A replaced by T.
Protein change: p.Lys163Met; replaces lysine 163 with methionine.
Molecular consequence: missense variant. On other transcripts: 5 prime UTR variant (4).
Genome position (GRCh38, 1-based): chr6:3,083,113, A>T. VCF-style: chr6-3083113-A-T. GRCh37 (hg19) VCF-style: chr6-3083347-A-T.
Other names: c.350A>T, p.Lys117Met (NM_001354931.2); c.-2A>T (NM_001354932.2, NM_001354933.2, NM_001354934.2 and 1 more transcripts); c.488A>T, p.Lys163Met (NM_003804.6); short protein forms K117M, K163M.
Identifiers: ClinVar variation 2711256 (VCV002711256.3), dbSNP rs2533198362, ClinGen allele CA362578498.